The following is an entry in ClinVar:

ClinVar aggregate classification (germline): Uncertain significance (1 of 4 stars; one submission).

Allele frequency attached by ClinVar (database versions not stated): gnomAD 0.00002; gnomAD exomes 0.00002; TOPMed 0.00003; ExAC 0.00008.
gnomAD v4.1: 31 of 1,613,912 alleles (0.0019%); highest among the groups gnomAD compares: East Asian, 0.065%; no homozygotes.

Submission:

Labcorp Genetics (formerly Invitae), Labcorp
Classification: Uncertain significance. Last evaluated: 2022-05-21. Review status: criteria provided, single submitter. Criteria: Invitae Variant Classification Sherloc (09022015). Collection method: clinical testing. Allele origin: germline.
Comment: This sequence change replaces alanine, which is neutral and non-polar, with threonine, which is neutral and polar, at codon 458 of the RGS9 protein (p.Ala458Thr). In summary, the available evidence is currently insufficient to determine the role of this variant in disease. Therefore, it has been classified as a Variant of Uncertain Significance. Algorithms developed to predict the effect of missense changes on protein structure and function (SIFT, PolyPhen-2, Align-GVGD) all suggest that this variant is likely to be disruptive. This variant has not been reported in the literature in individuals affected with RGS9-related conditions. This variant is present in population databases (rs777722406, gnomAD 0.1%).

NM_003835.4(RGS9):c.1372G>A (p.Ala458Thr)

Gene: RGS9 (regulator of G protein signaling 9; plus strand). Cytogenetic location: 17q24.1.
Variant type: single nucleotide variant.
Coding change: c.1372G>A on transcript NM_003835.4 (MANE Select); coding-DNA position 1372, G replaced by A.
Protein change: p.Ala458Thr; replaces alanine 458 with threonine.
Molecular consequence: missense variant.
Genome position (GRCh38, 1-based): chr17:65,210,570, G>A. VCF-style: chr17-65210570-G-A. GRCh37 (hg19) VCF-style: chr17-63206688-G-A.
Other names: c.1363G>A, p.Ala455Thr (NM_001081955.3, NM_001165933.2); short protein forms A455T, A458T.
Identifiers: ClinVar variation 2417377 (VCV002417377.5), dbSNP rs777722406, ClinGen allele CA8718015.